The following is an entry in ClinVar:

NM_003239.5(TGFB3):c.886_893dup (p.Lys298fs)

Gene: TGFB3 (transforming growth factor beta 3; minus strand). Cytogenetic location: 14q24.3.
Variant type: Duplication.
Coding change: c.886_893dup on transcript NM_003239.5 (MANE Select); coding-DNA positions 886 to 893, 8 bases duplicated (CAGAGGAA; older notation c.886_893dupCAGAGGAA).
Protein change: p.Lys298fs; shifts the reading frame from lysine 298.
Molecular consequence: frameshift variant.
Genome position (GRCh38, 1-based): chr14:75,963,349-75,963,356, TTCCTCTG duplicated on the plus strand (CAGAGGAA on the coding strand, the reverse complement: TGFB3 is on the minus strand). VCF-style (leftmost placement, unchanged base first): chr14-75963348-C-CTTCCTCTG. GRCh37 (hg19) VCF-style: chr14-76429691-C-CTTCCTCTG.
Other names: c.886_893dupCAGAGGAA (NM_003239.2); c.886_893dup, p.Lys298fs (NM_001329938.2, NM_001329939.2); short protein forms K298fs.
Identifiers: ClinVar variation 450223 (VCV000450223.9), dbSNP rs1555360368, ClinGen allele CA658656426.
Genomic context (GRCh38, chr14:75,963,348, plus strand): 5'-GTTGGTTCCCATGTGGGCCCAGTCTCACCGGAAGCAGTAATTGGTGTCCAAAGCCCGCTT[C>CTTCCTCTG]TTCCTCTGACCCCCCTGGCCCGGGTTGTCGAGCCGGTGTGGGGGAATCATCATGAGGATT-3'

ClinVar aggregate classification (germline): Pathogenic/Likely pathogenic. Review status: criteria provided, multiple submitters, no conflicts (2 of 4 stars). 3 submissions from 3 submitters: Pathogenic (1); Likely pathogenic (2). Last evaluated 2023-07-21.

Conditions:
Rienhoff syndrome. Also called: LOEYS-DIETZ SYNDROME 5. Identifiers: MedGen C3810012, MONDO:0014262, OMIM 615582.
Familial thoracic aortic aneurysm and aortic dissection (TAAD). Also called: Thoracic aortic aneurysms and dissections. Identifiers: Orphanet 91387, MedGen C4707243, MONDO:0019625.

Submissions (3):

Labcorp Genetics (formerly Invitae), Labcorp
Classification: Pathogenic for Rienhoff syndrome. Last evaluated: 2023-07-21. Review status: criteria provided, single submitter. Criteria: Invitae Variant Classification Sherloc (09022015). Collection method: clinical testing. Allele origin: germline.
Comment: This sequence change creates a premature translational stop signal (p.Lys298Asnfs*74) in the TGFB3 gene. While this is not anticipated to result in nonsense mediated decay, it is expected to disrupt the last 115 amino acid(s) of the TGFB3 protein. For these reasons, this variant has been classified as Pathogenic. This variant disrupts a region of the TGFB3 protein in which other variant(s) (p.Arg300Trp) have been determined to be pathogenic (PMID: 25835445, 31898322). This suggests that this is a clinically significant region of the protein, and that variants that disrupt it are likely to be disease-causing. ClinVar contains an entry for this variant (Variation ID: 450223). This variant has not been reported in the literature in individuals affected with TGFB3-related conditions. This variant is not present in population databases (gnomAD no frequency).

Ambry Genetics
Classification: Likely pathogenic for Familial thoracic aortic aneurysm and aortic dissection. Last evaluated: 2021-04-04. Review status: criteria provided, single submitter. Criteria: Ambry Variant Classification Scheme 2023. Collection method: clinical testing. Allele origin: germline.
Comment: The c.886_893dupCAGAGGAA variant, located in coding exon 5 of the TGFB3 gene, results from a duplication of CAGAGGAA at nucleotide position 886, causing a translational frameshift with a predicted alternate stop codon (p.K298Nfs*74). This alteration is expected to result in loss of function by premature protein truncation or nonsense-mediated mRNA decay. While loss of function has not yet been clearly established as a mechanism of disease for TGFB3, alterations resulting in haploinsufficiency have been reported in patients with features consistent with manifestations of Loeys-Dietz syndrome (Schepers D et al. Hum Mutat. 2018;39(5):621-634; Ambry internal data). Based on the majority of available evidence to date, this variant is likely to be pathogenic.

GeneDx
Classification: Likely pathogenic. Last evaluated: 2017-07-08. Review status: criteria provided, single submitter. Criteria: GeneDx Variant Classification (06012015). Collection method: clinical testing. Allele origin: germline. Affected: yes.
Comment: Although the c.886_893dupCAGAGGAA likely pathogenic variant in the TGFB3 gene has not been reported to our knowledge, this variant causes a shift in reading frame starting at codon lysine 298, changing it to an asparagine, and creating a premature stop codon at position 74 of the new reading frame, denoted p.Lys298AsnfsX74. This likely pathogenic variant is expected to result in either an abnormal, truncated protein product or loss of protein from this allele through nonsense-mediated mRNA decay. Other frameshift variants in the TGFB3 gene have been reported in Human Gene Mutation Database in association with TGFB3-related disorders (Stenson et al., 2014), indicating that loss of function is a mechanism of disease for this gene. Furthermore, the c.886_893dupCAGAGGAA variant has not been observed in large population cohorts (Lek et al., 2016; 1000 Genomes Consortium et al., 2015; Exome Variant Server).

Literature cited by the submitters: PubMed 25835445 (cited by Labcorp Genetics (formerly Invitae), Labcorp); PubMed 31898322 (cited by Labcorp Genetics (formerly Invitae), Labcorp).